The following is an entry in ClinVar:

ClinVar aggregate classification (germline): Uncertain significance (1 of 4 stars; one submission).

Submission:

CeGaT Center for Human Genetics Tuebingen
Classification: Uncertain significance. Last evaluated: 2022-09-01. Review status: criteria provided, single submitter. Criteria: CeGaT Center For Human Genetics Tuebingen Variant Classification Criteria Version 2. Collection method: clinical testing. Allele origin: germline. Affected: yes. Observed: 1 variant allele.
Comment: SLC30A10: PM2, BP4

NM_018713.3(SLC30A10):c.1089C>A (p.Ser363Arg)

Gene: SLC30A10 (solute carrier family 30 member 10; minus strand). Cytogenetic location: 1q41.
Variant type: single nucleotide variant.
Coding change: c.1089C>A on transcript NM_018713.3 (MANE Select); coding-DNA position 1089, C replaced by A.
Protein change: p.Ser363Arg; replaces serine 363 with arginine.
Molecular consequence: missense variant. On other transcripts: non-coding transcript variant (2).
Genome position (GRCh38, 1-based): chr1:219,915,818, G>T on the plus strand (C>A on the coding strand, the complement: SLC30A10 is on the minus strand). VCF-style: chr1-219915818-G-T. GRCh37 (hg19) VCF-style: chr1-220089160-G-T.
Other names: c.900C>A, p.Ser300Arg (NM_001376929.1); short protein forms S300R, S363R.
Identifiers: ClinVar variation 1711238 (VCV001711238.30), dbSNP rs2527853243, ClinGen allele CA344732189.